The following is an entry in ClinVar:

ClinVar aggregate classification (germline): Uncertain significance (1 of 4 stars; one submission).

Submission:

Labcorp Genetics (formerly Invitae), Labcorp
Classification: Uncertain significance. Last evaluated: 2025-12-24. Review status: criteria provided, single submitter. Criteria: Invitae Variant Classification Sherloc (09022015). Collection method: clinical testing. Allele origin: germline.
Comment: This sequence change replaces threonine, which is neutral and polar, with isoleucine, which is neutral and non-polar, at codon 406 of the TRPV6 protein (p.Thr406Ile). This variant is present in population databases (rs757313204, gnomAD 0.02%). This variant has not been reported in the literature in individuals affected with TRPV6-related conditions. Experimental studies and prediction algorithms are not available or were not evaluated, and the functional significance of this variant is currently unknown. In summary, the available evidence is currently insufficient to determine the role of this variant in disease. Therefore, it has been classified as a Variant of Uncertain Significance.

NM_018646.6(TRPV6):c.1217C>T (p.Thr406Ile)

Gene: TRPV6 (transient receptor potential cation channel subfamily V member 6; minus strand). Cytogenetic location: 7q34.
Variant type: single nucleotide variant.
Coding change: c.1217C>T on transcript NM_018646.6 (MANE Select); coding-DNA position 1217, C replaced by T.
Protein change: p.Thr406Ile; replaces threonine 406 with isoleucine.
Molecular consequence: missense variant.
Genome position (GRCh38, 1-based): chr7:142,875,493, G>A on the plus strand (C>T on the coding strand, the complement: TRPV6 is on the minus strand). VCF-style: chr7-142875493-G-A. GRCh37 (hg19) VCF-style: chr7-142573246-G-A.
Other names: short protein forms T406I.
Identifiers: ClinVar variation 4774155 (VCV004774155.1).